The following is an entry in ClinVar:

ClinVar aggregate classification (germline): Benign/Likely benign. Review status: criteria provided, multiple submitters, no conflicts (2 of 4 stars). 3 submissions from 3 submitters: Benign (1); Likely benign (1). 1 of the submissions does not count toward it. Last evaluated 2025-01-23.

Conditions:
Rubinstein-Taybi syndrome (RSTS). Identifiers: Orphanet 783, MedGen C0035934, MONDO:0019188.
CREBBP-related disorder. Also called: CREBBP-related disorders; CREBBP-related condition.

gnomAD v4.1: 31 of 1,466,392 alleles (0.0021%); highest among the groups gnomAD compares: Admixed American, 0.012%; no homozygotes.

Submissions (3):

Labcorp Genetics (formerly Invitae), Labcorp
Classification: Benign for Rubinstein-Taybi syndrome. Last evaluated: 2025-01-23. Review status: criteria provided, single submitter. Criteria: Invitae Variant Classification Sherloc (09022015). Collection method: clinical testing. Allele origin: germline.

Blueprint Genetics
Classification: Likely benign. Last evaluated: 2024-04-02. Review status: criteria provided, single submitter. Criteria: ACMG Guidelines, 2015. Collection method: clinical testing. Allele origin: germline.

PreventionGenetics, part of Exact Sciences
Classification: Likely benign for CREBBP-related condition. Last evaluated: 2023-11-01. Review status: no assertion criteria provided. Collection method: clinical testing. Allele origin: germline. Not counted in ClinVar's aggregate classification.
Comment: This variant is classified as likely benign based on ACMG/AMP sequence variant interpretation guidelines (Richards et al. 2015 PMID: 25741868, with internal and published modifications).

NM_004380.3(CREBBP):c.5878C>A (p.Arg1960=)

Gene: CREBBP (CREB binding lysine acetyltransferase; minus strand). Cytogenetic location: 16p13.3.
Variant type: single nucleotide variant.
Coding change: c.5878C>A on transcript NM_004380.3 (MANE Select); coding-DNA position 5878, C replaced by A.
Protein change: p.Arg1960=; no amino-acid change (arginine 1960 retained).
Molecular consequence: synonymous variant.
Genome position (GRCh38, 1-based): chr16:3,729,169, G>T on the plus strand (C>A on the coding strand, the complement: CREBBP is on the minus strand). VCF-style: chr16-3729169-G-T. GRCh37 (hg19) VCF-style: chr16-3779170-G-T.
Other names: c.5878C>A (NM_004380.2); c.5764C>A, p.Arg1922= (NM_001079846.1).
Identifiers: ClinVar variation 2040010 (VCV002040010.7), dbSNP rs772270271, ClinGen allele CA7869234.